The following is an entry in ClinVar:

NM_000426.4(LAMA2):c.1884G>A (p.Glu628=)

Gene: LAMA2 (laminin subunit alpha 2; plus strand). Cytogenetic location: 6q22.33.
Variant type: single nucleotide variant.
Coding change: c.1884G>A on transcript NM_000426.4 (MANE Select); coding-DNA position 1884, G replaced by A.
Protein change: p.Glu628=; no amino-acid change (glutamic acid 628 retained).
Molecular consequence: synonymous variant.
Genome position (GRCh38, 1-based): chr6:129,250,213, G>A. VCF-style: chr6-129250213-G-A. GRCh37 (hg19) VCF-style: chr6-129571358-G-A.
Other names: c.1884G>A, p.Glu628= (NM_001079823.2).
Identifiers: ClinVar variation 4687407 (VCV004687407.1).

ClinVar aggregate classification (germline): Uncertain significance (1 of 4 stars; one submission).

gnomAD v4.1: 3 of 1,535,458 alleles (0.0002%); highest among the groups gnomAD compares: Non-Finnish European, 0.00027%; no homozygotes.

Submission:

Women's Health and Genetics/Laboratory Corporation of America, LabCorp
Classification: Uncertain significance. Last evaluated: 2025-10-09. Review status: criteria provided, single submitter. Criteria: LabCorp Variant Classification Summary - May 2015. Collection method: clinical testing. Allele origin: germline.
Comment: Variant summary: LAMA2 c.1884G>A (p.Glu628Glu) alters a conserved nucleotide located close to a canonical splice site and therefore could affect mRNA splicing, leading to a significantly altered protein sequence. Several computational tools predict a significant impact on normal splicing: Three predict the variant abolishes a 5' splicing donor site. However, these predictions have yet to be confirmed by functional studies. The variant was absent in 250706 control chromosomes. The available data on variant occurrences in the general population are insufficient to allow any conclusion about variant significance. To our knowledge, no occurrence of c.1884G>A in individuals affected with LAMA2-related conditions and no experimental evidence demonstrating its impact on protein function have been reported. No submitters have cited clinical-significance assessments for this variant to ClinVar. Based on the evidence outlined above, the variant was classified as uncertain significance.